The following is an entry in ClinVar:

ClinVar aggregate classification (germline): Pathogenic (1 of 4 stars; one submission).

Conditions:
Neuronal ceroid lipofuscinosis 7 (CLN7). Also called: MFSD8-Related Neuronal Ceroid-Lipofuscinosis. Identifiers: Orphanet 168491, Orphanet 228366, MedGen C1838571, MONDO:0012588, OMIM 610951.

Submission:

Victorian Clinical Genetics Services, Murdoch Childrens Research Institute
Classification: Pathogenic for Neuronal ceroid lipofuscinosis 7. Last evaluated: 2025-11-26. Review status: criteria provided, single submitter. Criteria: ACMG Guidelines, 2015. Collection method: clinical testing. Allele origin: germline. Affected: yes.
Comment: This variant is classified as Pathogenic. Evidence in support of pathogenic classification: Variant is predicted to cause nonsense-mediated decay (NMD) and loss of protein (premature termination codon is located at least 54 nucleotides upstream of the final exon-exon junction); Variant is absent from gnomAD (v2, v3 and v4); Other NMD-predicted variants comparable to the one identified in this case have very strong previous evidence for pathogenicity (DECIPHER). Additional information: This variant is heterozygous; This gene is associated with autosomal recessive disease; This variant has no previous evidence of pathogenicity; No published segregation evidence has been identified for this variant; No published functional evidence has been identified for this variant; Loss of function is a known mechanism of disease in this gene and is associated with neuronal ceroid lipofuscinosis, 7 (MIM#610951) and macular dystrophy with central cone involvement (MIM#616170); Heterozygous variant detected in trans with a second PATHOGENIC heterozygous variant (NM_001371596.2(MFSD8):c.1444C>T; p.(Arg482*)) in a recessive disease.

NM_001371596.2(MFSD8):c.727C>T (p.Gln243Ter)

Gene: MFSD8 (major facilitator superfamily domain containing 8; minus strand). Cytogenetic location: 4q28.2.
Variant type: single nucleotide variant.
Coding change: c.727C>T on transcript NM_001371596.2 (MANE Select); coding-DNA position 727, C replaced by T.
Protein change: p.Gln243Ter; replaces glutamine 243 with a stop codon.
Molecular consequence: nonsense. On other transcripts: intron variant (3).
Genome position (GRCh38, 1-based): chr4:127,938,810, G>A on the plus strand (C>T on the coding strand, the complement: MFSD8 is on the minus strand). VCF-style: chr4-127938810-G-A. GRCh37 (hg19) VCF-style: chr4-128859965-G-A.
Other names: c.592C>T, p.Gln198Ter (NM_001371590.2); c.727C>T, p.Gln243Ter (NM_001371591.2, NM_152778.4); c.733C>T, p.Gln245Ter (NM_001371592.2); c.613C>T, p.Gln205Ter (NM_001371593.2, NM_001410766.1); c.580C>T, p.Gln194Ter (NM_001371594.2); c.445C>T, p.Gln149Ter (NM_001371595.1); c.304+4942C>T (NM_001410765.1); c.439+4942C>T (NM_001363521.3); and 1 more; short protein forms Q149*, Q194*, Q198*, Q205*, Q243*, Q245*.
Identifiers: ClinVar variation 1805944 (VCV001805944.3), dbSNP rs2546127240, ClinGen allele CA358175229.